The following is an entry in ClinVar:

ClinVar aggregate classification (germline): Uncertain significance (1 of 4 stars; one submission).

Conditions:
Cardiac arrhythmia. Also called: Arrhythmia; Cardiac rhythm disease. Identifiers: MedGen C0003811, MONDO:0007263, HP:0011675.

gnomAD v4.1: 1 of 1,612,908 alleles (0.000062%); no homozygotes.

Submission:

Color Diagnostics, LLC DBA Color Health
Classification: Uncertain significance for Cardiac arrhythmia. Last evaluated: 2025-07-14. Review status: criteria provided, single submitter. Criteria: ACMG Guidelines, 2015. Collection method: clinical testing. Allele origin: germline.
Comment: This missense variant replaces glycine with arginine at codon 219 of the KCNQ1 protein. Computational prediction suggests that this variant may have deleterious impact on protein structure and function. To our knowledge, functional studies have not been reported for this variant. This variant has not been reported in individuals affected with KCNQ1-related disorders in the literature. This variant has not been identified in the general population by the Genome Aggregation Database (gnomAD). The available evidence is insufficient to determine the role of this variant in disease conclusively. Therefore, this variant is classified as a Variant of Uncertain Significance.

NM_000218.3(KCNQ1):c.655G>A (p.Gly219Arg)

Gene: KCNQ1 (potassium voltage-gated channel subfamily Q member 1; plus strand). Cytogenetic location: 11p15.5.
Variant type: single nucleotide variant.
Coding change: c.655G>A on transcript NM_000218.3 (MANE Select); coding-DNA position 655, G replaced by A.
Protein change: p.Gly219Arg; replaces glycine 219 with arginine.
Molecular consequence: missense variant. On other transcripts: intron variant (1).
Genome position (GRCh38, 1-based): chr11:2,571,375, G>A. VCF-style: chr11-2571375-G-A. GRCh37 (hg19) VCF-style: chr11-2592605-G-A.
Other names: c.274G>A, p.Gly92Arg (NM_181798.2); c.478-12060G>A (NM_001406838.1); c.655G>A, p.Gly219Arg (NM_001406836.1); c.385G>A, p.Gly129Arg (NM_001406837.1); short protein forms G129R, G219R, G92R.
Identifiers: ClinVar variation 4758901 (VCV004758901.1).